The following is an entry in ClinVar:

ClinVar aggregate classification (germline): Likely benign (1 of 4 stars; one submission).

gnomAD v4.1: 26 of 1,199,409 alleles (0.0022%); highest among the groups gnomAD compares: Admixed American, 0.0067%; no homozygotes.

Submission:

CeGaT Center for Human Genetics Tuebingen
Classification: Likely benign. Last evaluated: 2026-06-01. Review status: criteria provided, single submitter. Criteria: CeGaT Center For Human Genetics Tuebingen Variant Classification Criteria Version 2. Collection method: clinical testing. Allele origin: germline. Affected: yes. Observed: 1 variant allele.
Comment: TAFAZZIN: PP3, BS2

NM_000116.5(TAFAZZIN):c.109+39C>A

Genes: DNASE1L1 (deoxyribonuclease 1 like 1; minus strand), TAFAZZIN (tafazzin, phospholipid-lysophospholipid transacylase; plus strand), LOC130068869 (ATAC-STARR-seq lymphoblastoid silent region 21101; plus strand). Cytogenetic location: Xq28.
Variant type: single nucleotide variant.
Coding change: c.109+39C>A on transcript NM_000116.5 (MANE Select); 39 bases into the intron after coding-DNA position 109, C replaced by A.
Molecular consequence: intron variant. On other transcripts: 5 prime UTR variant (3), missense variant (4).
Genome position (GRCh38, 1-based): chrX:154,411,991, C>A. VCF-style: chrX-154411991-C-A. GRCh37 (hg19) VCF-style: chrX-153640328-C-A.
Other names: c.-531G>T (NM_001009932.3); c.-273G>T (NM_001009933.3); c.-188G>T (NM_001009934.3); c.148C>A, p.Pro50Thr (NM_001303465.2, NM_001410698.1, NM_001440856.1 and 1 more transcripts); c.109+39C>A (NM_181312.4, NM_181311.4, NM_181313.4 and 1 more transcripts); short protein forms P50T.
Identifiers: ClinVar variation 4873207 (VCV004873207.2).